The following is an entry in ClinVar:

NM_133259.4(LRPPRC):c.126C>T (p.Ala42=)

Gene: LRPPRC (leucine rich pentatricopeptide repeat containing; minus strand). Cytogenetic location: 2p21.
Variant type: single nucleotide variant.
Coding change: c.126C>T on transcript NM_133259.4 (MANE Select); coding-DNA position 126, C replaced by T.
Protein change: p.Ala42=; no amino-acid change (alanine 42 retained).
Molecular consequence: synonymous variant.
Genome position (GRCh38, 1-based): chr2:43,995,822, G>A on the plus strand (C>T on the coding strand, the complement: LRPPRC is on the minus strand). VCF-style: chr2-43995822-G-A. GRCh37 (hg19) VCF-style: chr2-44222961-G-A.
Identifiers: ClinVar variation 1099507 (VCV001099507.23), dbSNP rs1332820285, ClinGen allele CA346678996.

ClinVar aggregate classification (germline): Likely benign. Review status: criteria provided, multiple submitters, no conflicts (2 of 4 stars). 2 submissions from 2 submitters: Likely benign (2). Last evaluated 2024-11-01.

Allele frequency attached by ClinVar (database versions not stated): gnomAD 0.00001; gnomAD exomes 0.00004.

Submissions (2):

CeGaT Center for Human Genetics Tuebingen
Classification: Likely benign. Last evaluated: 2024-11-01. Review status: criteria provided, single submitter. Criteria: CeGaT Center For Human Genetics Tuebingen Variant Classification Criteria Version 2. Collection method: clinical testing. Allele origin: germline. Affected: yes. Observed: 1 variant allele.
Comment: LRPPRC: BP4, BP7

Labcorp Genetics (formerly Invitae), Labcorp
Classification: Likely benign. Last evaluated: 2024-01-24. Review status: criteria provided, single submitter. Criteria: Invitae Variant Classification Sherloc (09022015). Collection method: clinical testing. Allele origin: germline.